The following is an entry in ClinVar:

ClinVar aggregate classification (germline): Likely benign (1 of 4 stars; one submission).

Conditions:
Breast-ovarian cancer, familial, susceptibility to, 3. Also called: RAD51C-Related Breast/Ovarian Cancer. Identifiers: Orphanet 145, MedGen C3150659, MONDO:0013253, OMIM 613399.

Submission:

Myriad Genetics, Inc.
Classification: Likely benign for Breast-ovarian cancer, familial, susceptibility to, 3. Last evaluated: 2025-02-14. Review status: criteria provided, single submitter. Criteria: Myriad Autosomal Dominant, Autosomal Recessive and X-Linked Classification Criteria (2023). Collection method: clinical testing. Allele origin: unknown.
Comment: This variant is considered likely benign. This variant is intronic and is not expected to impact mRNA splicing.

NM_058216.3(RAD51C):c.146-7C>T

Gene: RAD51C (RAD51 paralog C; plus strand). Cytogenetic location: 17q22.
Variant type: single nucleotide variant.
Coding change: c.146-7C>T on transcript NM_058216.3 (MANE Select); 7 bases into the intron before coding-DNA position 146, C replaced by T.
Molecular consequence: intron variant.
Genome position (GRCh38, 1-based): chr17:58,694,924, C>T. VCF-style: chr17-58694924-C-T. GRCh37 (hg19) VCF-style: chr17-56772285-C-T.
Other names: c.146-7C>T (NM_002876.4).
Identifiers: ClinVar variation 3903808 (VCV003903808.1).
Genomic context (GRCh38, chr17:58,694,924, plus strand): 5'-ATCGATTATCATGTTACACTTTTAAATCTCTAAAATTAGGGTTCTTTTTTTCTTATTTTA[C>T]TTTCAGAAGTTGGGATATCTAAAGCAGAAGCCTTAGAAACTCTGCAAATTATCAGAAGAG-3'